The following is an entry in ClinVar:

ClinVar aggregate classification (germline): Uncertain significance. Review status: criteria provided, multiple submitters, no conflicts (2 of 4 stars). 3 submissions from 3 submitters: Uncertain significance (3). Last evaluated 2024-10-17.

Conditions:
Infantile neuroaxonal dystrophy (NBIA2A). Also called: Infantile neuroaxonal dystrophy 1; NEURODEGENERATION WITH BRAIN IRON ACCUMULATION 2A; SEITELBERGER DISEASE. Identifiers: Orphanet 35069, MedGen C0270724, MONDO:0024457, OMIM 256600.

Allele frequency attached by ClinVar (database versions not stated): TOPMed 0.00003; gnomAD exomes below 0.00001; ExAC 0.00001; gnomAD 0.00005; ESP Exome Variant Server 0.00015.

Submissions (3):

GeneDx
Classification: Uncertain significance. Last evaluated: 2024-10-17. Review status: criteria provided, single submitter. Criteria: GeneDx Variant Classification Process June 2021. Collection method: clinical testing. Allele origin: germline. Affected: yes.
Comment: Not observed at significant frequency in large population cohorts (gnomAD); In silico analysis indicates that this variant does not alter splicing; Has not been previously published as pathogenic or benign to our knowledge

Labcorp Genetics (formerly Invitae), Labcorp
Classification: Uncertain significance for Infantile neuroaxonal dystrophy. Last evaluated: 2021-06-12. Review status: criteria provided, single submitter. Criteria: Invitae Variant Classification Sherloc (09022015). Collection method: clinical testing. Allele origin: germline.
Comment: This sequence change falls in intron 2 of the PLA2G6 gene. It does not directly change the encoded amino acid sequence of the PLA2G6 protein. It affects a nucleotide within the consensus splice site of the intron. This variant is present in population databases (rs376015031, ExAC 0.01%). This variant has not been reported in the literature in individuals with PLA2G6-related conditions. ClinVar contains an entry for this variant (Variation ID: 448040). Nucleotide substitutions within the consensus splice site are a relatively common cause of aberrant splicing (PMID: 17576681, 9536098). Algorithms developed to predict the effect of sequence changes on RNA splicing suggest that this variant may disrupt the consensus splice site, but this prediction has not been confirmed by published transcriptional studies. In summary, the available evidence is currently insufficient to determine the role of this variant in disease. Therefore, it has been classified as a Variant of Uncertain Significance.

Athena Diagnostics
Classification: Uncertain significance. Last evaluated: 2016-12-20. Review status: criteria provided, single submitter. Criteria: Athena Diagnostics Criteria. Collection method: clinical testing. Allele origin: germline.

Literature cited by the submitters: PubMed 17576681 (cited by Labcorp Genetics (formerly Invitae), Labcorp); PubMed 9536098 (cited by Labcorp Genetics (formerly Invitae), Labcorp).

NM_003560.4(PLA2G6):c.209+6T>C

Gene: PLA2G6 (phospholipase A2 group VI; minus strand). Cytogenetic location: 22q13.1.
Variant type: single nucleotide variant.
Coding change: c.209+6T>C on transcript NM_003560.4 (MANE Select); 6 bases into the intron after coding-DNA position 209, T replaced by C.
Molecular consequence: intron variant.
Genome position (GRCh38, 1-based): chr22:38,169,212, A>G on the plus strand (T>C on the coding strand, the complement: PLA2G6 is on the minus strand). VCF-style: chr22-38169212-A-G. GRCh37 (hg19) VCF-style: chr22-38565219-A-G.
Other names: c.-282+6T>C (NM_001349868.2); c.209+6T>C (NM_001349866.2, NM_001199562.3, NM_001349865.2 and 2 more transcripts); c.-457+6T>C (NM_001349869.2, NM_001349867.2).
Identifiers: ClinVar variation 448040 (VCV000448040.5), dbSNP rs376015031, ClinGen allele CA10231348.
Genomic context (GRCh38, chr22:38,169,212, plus strand): 5'-AGACCTCCAATCCGAGACGTGGGGGAGTGAAAGGAGAGAAGTATGTTCCCGCTGAGCATC[A>G]CCCACCGGAATCCACTCTGTGAGTTCCTGGGGTTGACCAGGACGCAGTCCCAGGTGCGGT-3'